The following is an entry in ClinVar:

NM_020745.4(AARS2):c.2598+3G>A

Gene: AARS2 (alanyl-tRNA synthetase 2, mitochondrial; minus strand). Cytogenetic location: 6p21.1.
Variant type: single nucleotide variant.
Coding change: c.2598+3G>A on transcript NM_020745.4 (MANE Select); 3 bases into the intron after coding-DNA position 2598, G replaced by A.
Molecular consequence: intron variant.
Genome position (GRCh38, 1-based): chr6:44,302,057, C>T on the plus strand (G>A on the coding strand, the complement: AARS2 is on the minus strand). VCF-style: chr6-44302057-C-T. GRCh37 (hg19) VCF-style: chr6-44269794-C-T.
Identifiers: ClinVar variation 1918470 (VCV001918470.2), dbSNP rs1000944121, ClinGen allele CA138384763.

ClinVar aggregate classification (germline): Uncertain significance (1 of 4 stars; one submission).

Allele frequency attached by ClinVar (database versions not stated): gnomAD exomes below 0.00001.
gnomAD v4.1: 2 of 1,613,986 alleles (0.00012%); highest among the groups gnomAD compares: Middle Eastern, 0.016%; no homozygotes.

Submission:

Labcorp Genetics (formerly Invitae), Labcorp
Classification: Uncertain significance. Last evaluated: 2021-12-02. Review status: criteria provided, single submitter. Criteria: Invitae Variant Classification Sherloc (09022015). Collection method: clinical testing. Allele origin: germline.
Comment: This sequence change falls in intron 19 of the AARS2 gene. It does not directly change the encoded amino acid sequence of the AARS2 protein. It affects a nucleotide within the consensus splice site. This variant is not present in population databases (gnomAD no frequency). This variant has not been reported in the literature in individuals affected with AARS2-related conditions. Variants that disrupt the consensus splice site are a relatively common cause of aberrant splicing (PMID: 17576681, 9536098). Algorithms developed to predict the effect of sequence changes on RNA splicing suggest that this variant is not likely to affect RNA splicing. In summary, the available evidence is currently insufficient to determine the role of this variant in disease. Therefore, it has been classified as a Variant of Uncertain Significance.

Literature cited by the submitters: PubMed 17576681; PubMed 9536098.